The following is an entry in ClinVar:

NM_003924.4(PHOX2B):c.790G>A (p.Ala264Thr)

Gene: PHOX2B (paired like homeobox 2B; minus strand). Cytogenetic location: 4p13.
Variant type: single nucleotide variant.
Coding change: c.790G>A on transcript NM_003924.4 (MANE Select); coding-DNA position 790, G replaced by A.
Protein change: p.Ala264Thr; replaces alanine 264 with threonine.
Molecular consequence: missense variant.
Genome position (GRCh38, 1-based): chr4:41,745,962, C>T on the plus strand (G>A on the coding strand, the complement: PHOX2B is on the minus strand). VCF-style: chr4-41745962-C-T. GRCh37 (hg19) VCF-style: chr4-41747979-C-T.
Other names: short protein forms A264T.
Identifiers: ClinVar variation 1044392 (VCV001044392.8), dbSNP rs1320695099, ClinGen allele CA356737132.
Genomic context (GRCh38, chr4:41,745,962, plus strand): 5'-GGATGGAGGTGATGGGGCCGGGGCCGGGAGCCCAGCCTTGTCCAGGGCCCCCAGCCGCAG[C>T]CAGGCCTCCAGCTGCCGCCGCTGCCGCTGCCGCCGCCGCCGCTGCCGCGGCCGCCGCCGC-3'
Protein context (NP_003915.2, residues 254-274): AAAAAAAGGL[Ala264Thr]AAGGPGQGWA

ClinVar aggregate classification (germline): Uncertain significance (1 of 4 stars; one submission).

Conditions:
Haddad syndrome (OHD). Also called: Ondine-Hirschsprung disease. Identifiers: Orphanet 99803, MedGen C1859049, MONDO:0020493.

Submission:

Labcorp Genetics (formerly Invitae), Labcorp
Classification: Uncertain significance for Haddad syndrome. Last evaluated: 2020-08-14. Review status: criteria provided, single submitter. Criteria: Invitae Variant Classification Sherloc (09022015). Collection method: clinical testing. Allele origin: germline.
Comment: This sequence change replaces alanine with threonine at codon 264 of the PHOX2B protein (p.Ala264Thr). The alanine residue is moderately conserved and there is a small physicochemical difference between alanine and threonine. This variant is not present in population databases (ExAC no frequency). In summary, the available evidence is currently insufficient to determine the role of this variant in disease. Therefore, it has been classified as a Variant of Uncertain Significance. Algorithms developed to predict the effect of missense changes on protein structure and function are either unavailable or do not agree on the potential impact of this missense change (SIFT: "Deleterious"; PolyPhen-2: "Not Available"; Align-GVGD: "Class C0"). This variant has not been reported in the literature in individuals with PHOX2B-related conditions.